The following is an entry in ClinVar:

ClinVar aggregate classification (germline): Uncertain significance. Review status: criteria provided, multiple submitters, no conflicts (2 of 4 stars). 2 submissions from 2 submitters: Uncertain significance (2). Last evaluated 2026-03-11.

Conditions:
Optic atrophy 3 (OPA3). Also called: OPTIC ATROPHY 3, AUTOSOMAL DOMINANT; Optic atrophy, cataract, and neurologic disorder; Optic atrophy 3 with cataract. Identifiers: Orphanet 67036, MedGen C1833809, MONDO:0008133, OMIM 165300.
3-Methylglutaconic aciduria type 3 (MGCA3). Also called: OPA3, AUTOSOMAL RECESSIVE; OPTIC ATROPHY 3, AUTOSOMAL RECESSIVE; Costeff Syndrome; OPA3-Related 3-Methylglutaconic Aciduria. Identifiers: Orphanet 67047, MedGen C0574084, MONDO:0009787, OMIM 258501.

gnomAD v4.1: 2 of 1,612,858 alleles (0.00012%); highest among the groups gnomAD compares: East Asian, 0.0022%; no homozygotes.

Submissions (2):

GeneDx
Classification: Uncertain significance. Last evaluated: 2026-03-11. Review status: criteria provided, single submitter. Criteria: GeneDx Variant Classification Process June 2021. Collection method: clinical testing. Allele origin: germline.
Comment: In silico analysis supports that this missense variant has a deleterious effect on protein structure/function; Has not been previously published as pathogenic or benign to our knowledge

Labcorp Genetics (formerly Invitae), Labcorp
Classification: Uncertain significance for 3-Methylglutaconic aciduria type 3; Optic atrophy 3. Last evaluated: 2025-07-27. Review status: criteria provided, single submitter. Criteria: Invitae Variant Classification Sherloc (09022015). Collection method: clinical testing. Allele origin: germline.
Comment: This sequence change replaces glycine, which is neutral and non-polar, with cysteine, which is neutral and slightly polar, at codon 95 of the OPA3 protein (p.Gly95Cys). This variant is present in population databases (rs767889585, gnomAD 0.01%). This variant has not been reported in the literature in individuals affected with OPA3-related conditions. An algorithm developed to predict the effect of missense changes on protein structure and function (PolyPhen-2) suggests that this variant is likely to be tolerated. In summary, the available evidence is currently insufficient to determine the role of this variant in disease. Therefore, it has been classified as a Variant of Uncertain Significance.

NM_025136.4(OPA3):c.283G>T (p.Gly95Cys)

Genes: OPA3 (outer mitochondrial membrane lipid metabolism regulator OPA3; minus strand), OPA3-RTN2 (OPA3-RTN2 readthrough; minus strand). Cytogenetic location: 19q13.32.
Variant type: single nucleotide variant.
Coding change: c.283G>T on transcript NM_025136.4 (MANE Select); coding-DNA position 283, G replaced by T.
Protein change: p.Gly95Cys; replaces glycine 95 with cysteine.
Molecular consequence: missense variant. On other transcripts: intron variant (1).
Genome position (GRCh38, 1-based): chr19:45,553,771, C>A on the plus strand (G>T on the coding strand, the complement: OPA3 is on the minus strand). VCF-style: chr19-45553771-C-A. GRCh37 (hg19) VCF-style: chr19-46057029-C-A.
Other names: c.143-24315G>T (NM_001017989.3); c.283G>T (NM_025136.3); short protein forms G95C.
Identifiers: ClinVar variation 4793940 (VCV004793940.2).